The following is an entry in ClinVar:

ClinVar aggregate classification (germline): Pathogenic. Review status: reviewed by expert panel (3 of 4 stars). 3 submissions from 3 submitters: Pathogenic (1). 2 of the submissions do not count toward it. Last evaluated 2017-12-15.

Conditions:
Familial cancer of breast. Also called: hereditary breast carcinoma; BREAST CANCER, FAMILIAL; Hereditary breast cancer. Identifiers: Orphanet 227535, MedGen C0346153, MONDO:0016419, OMIM 114480. Disease mechanism: loss of function.
Breast-ovarian cancer, familial, susceptibility to, 1 (BROVCA1). Also called: BRCA1 Hereditary Breast and Ovarian Cancer; OVARIAN CANCER, SUSCEPTIBILITY TO. Identifiers: Orphanet 145, MedGen C2676676, MONDO:0011450, OMIM 604370. Disease mechanism: loss of function.

Submissions (4):

Evidence-based Network for the Interpretation of Germline Mutant Alleles (ENIGMA)
Classification: Pathogenic for Breast-ovarian cancer, familial, susceptibility to, 1. Last evaluated: 2017-12-15. Review status: reviewed by expert panel. Criteria: ENIGMA BRCA1/2 Classification Criteria (2017-06-29). Collection method: curation. Allele origin: germline. Study: ENIGMA.
Comment: Variant allele predicted to encode a truncated non-functional protein.

Department of Molecular Diagnostics, Institute of Oncology Ljubljana
Classification: Pathogenic for Breast-ovarian cancer, familial, susceptibility to, 1. Last evaluated: 2020-04-02. Review status: criteria provided, single submitter. Criteria: ACMG Guidelines, 2015. Collection method: clinical testing. Allele origin: germline. Affected: yes. Not counted in ClinVar's aggregate classification.

Brotman Baty Institute, University of Washington
No classification provided (evidence only). Condition: Breast-ovarian cancer, familial 1. Review status: no classification provided. Collection method: in vitro. Allele origin: not applicable. Functional consequence: functionally_abnormal. Not counted in ClinVar's aggregate classification.
ClinVar note: "not provided" was previously submitted as the classification for the variant. However, the classification appeared to be based only on an observation of functional data so it was converted to no classification on 2025-07-30.

ClinVar Staff, National Center for Biotechnology Information (NCBI)
No classification provided. Condition: Familial cancer of breast. Review status: no classification provided. Collection method: literature only. Allele origin: germline. Affected: yes. Not counted in ClinVar's aggregate classification.

Literature cited by the submitters: PubMed 21232165 (cited by ClinVar Staff, National Center for Biotechnology Information (NCBI)).

NM_007294.4(BRCA1):c.5377A>T (p.Lys1793Ter)

Gene: BRCA1 (BRCA1 DNA repair associated; minus strand). Cytogenetic location: 17q21.31.
Variant type: single nucleotide variant.
Coding change: c.5377A>T on transcript NM_007294.4 (MANE Select); coding-DNA position 5377, A replaced by T.
Protein change: p.Lys1793Ter; replaces lysine 1793 with a stop codon.
Molecular consequence: nonsense. On other transcripts: non-coding transcript variant (1), intron variant (1).
Genome position (GRCh38, 1-based): chr17:43,049,150, T>A on the plus strand (A>T on the coding strand, the complement: BRCA1 is on the minus strand). VCF-style: chr17-43049150-T-A. GRCh37 (hg19) VCF-style: chr17-41201167-T-A.
Other names: c.5251A>T, p.Lys1751Ter (NM_001407679.1, NM_001407680.1, NM_001407670.1 and 8 more transcripts); c.5248A>T, p.Lys1750Ter (NM_001407681.1, NM_001407682.1, NM_001407683.1 and 5 more transcripts); c.5230A>T, p.Lys1744Ter (NM_001407850.1, NM_001407851.1, NM_001407852.1 and 12 more transcripts); c.5176A>T, p.Lys1726Ter (NM_001407862.1); c.5173A>T, p.Lys1725Ter (NM_001407863.1); c.5170A>T, p.Lys1724Ter (NM_001407874.1, NM_001407875.1); c.5167A>T, p.Lys1723Ter (NM_001407879.1, NM_001407881.1, NM_001407882.1 and 5 more transcripts); c.5164A>T, p.Lys1722Ter (NM_001407896.1, NM_001407897.1, NM_001407898.1 and 12 more transcripts); and 73 more; short protein forms K1793*, K1814*, K689*, K1746*, K1680*, K1682*, K1703*, K1723*.
Identifiers: ClinVar variation 55556 (VCV000055556.6), dbSNP rs397509274, ClinGen allele CA003540.